The following is an entry in ClinVar:

NM_153603.4(COG7):c.2290A>G (p.Thr764Ala)

Gene: COG7 (component of oligomeric golgi complex 7; minus strand). Cytogenetic location: 16p12.2.
Variant type: single nucleotide variant.
Coding change: c.2290A>G on transcript NM_153603.4 (MANE Select); coding-DNA position 2290, A replaced by G.
Protein change: p.Thr764Ala; replaces threonine 764 with alanine.
Molecular consequence: missense variant.
Genome position (GRCh38, 1-based): chr16:23,388,943, T>C on the plus strand (A>G on the coding strand, the complement: COG7 is on the minus strand). VCF-style: chr16-23388943-T-C. GRCh37 (hg19) VCF-style: chr16-23400264-T-C.
Other names: short protein forms T764A.
Identifiers: ClinVar variation 3675095 (VCV003675095.2).

ClinVar aggregate classification (germline): Uncertain significance (1 of 4 stars; one submission).

Conditions:
COG7 congenital disorder of glycosylation (CDG2E). Also called: CONGENITAL DISORDER OF GLYCOSYLATION, TYPE IIe; CDG IIe. Identifiers: Orphanet 79333, MedGen C2931010, MONDO:0012118, OMIM 608779.

Submission:

Labcorp Genetics (formerly Invitae), Labcorp
Classification: Uncertain significance for COG7 congenital disorder of glycosylation. Last evaluated: 2024-12-11. Review status: criteria provided, single submitter. Criteria: Invitae Variant Classification Sherloc (09022015). Collection method: clinical testing. Allele origin: germline.
Comment: This sequence change replaces threonine, which is neutral and polar, with alanine, which is neutral and non-polar, at codon 764 of the COG7 protein (p.Thr764Ala). This variant is not present in population databases (gnomAD no frequency). This variant has not been reported in the literature in individuals affected with COG7-related conditions. Invitae Evidence Modeling of protein sequence and biophysical properties (such as structural, functional, and spatial information, amino acid conservation, physicochemical variation, residue mobility, and thermodynamic stability) indicates that this missense variant is not expected to disrupt COG7 protein function with a negative predictive value of 80%. In summary, the available evidence is currently insufficient to determine the role of this variant in disease. Therefore, it has been classified as a Variant of Uncertain Significance.